The following is an entry in ClinVar:

ClinVar aggregate classification (germline): Uncertain significance (1 of 4 stars; one submission).

Allele frequency attached by ClinVar (database versions not stated): ExAC 0.00002; gnomAD 0.00002.
gnomAD v4.1: 13 of 1,614,074 alleles (0.00081%); highest among the groups gnomAD compares: Non-Finnish European, 0.001%; no homozygotes.

Submission:

Labcorp Genetics (formerly Invitae), Labcorp
Classification: Uncertain significance. Last evaluated: 2024-04-05. Review status: criteria provided, single submitter. Criteria: Invitae Variant Classification Sherloc (09022015). Collection method: clinical testing. Allele origin: germline.
Comment: This sequence change replaces serine, which is neutral and polar, with alanine, which is neutral and non-polar, at codon 914 of the KANK1 protein (p.Ser914Ala). This variant is present in population databases (rs756517483, gnomAD 0.008%). This variant has not been reported in the literature in individuals affected with KANK1-related conditions. ClinVar contains an entry for this variant (Variation ID: 1494615). Advanced modeling of protein sequence and biophysical properties (such as structural, functional, and spatial information, amino acid conservation, physicochemical variation, residue mobility, and thermodynamic stability) performed at Invitae indicates that this missense variant is not expected to disrupt KANK1 protein function with a negative predictive value of 80%. In summary, the available evidence is currently insufficient to determine the role of this variant in disease. Therefore, it has been classified as a Variant of Uncertain Significance.

NM_015158.5(KANK1):c.2740T>G (p.Ser914Ala)

Gene: KANK1 (KN motif and ankyrin repeat domains 1; plus strand). Cytogenetic location: 9p24.3.
Variant type: single nucleotide variant.
Coding change: c.2740T>G on transcript NM_015158.5 (MANE Select); coding-DNA position 2740, T replaced by G.
Protein change: p.Ser914Ala; replaces serine 914 with alanine.
Molecular consequence: missense variant. On other transcripts: non-coding transcript variant (1).
Genome position (GRCh38, 1-based): chr9:730,092, T>G. VCF-style: chr9-730092-T-G. GRCh37 (hg19) VCF-style: chr9-730092-T-G.
Other names: c.2740T>G, p.Ser914Ala (NM_001256876.3, NM_001256877.3, NM_001354331.2 and 2 more transcripts); c.2266T>G, p.Ser756Ala (NM_001354333.2, NM_001354335.2, NM_001354336.2 and 9 more transcripts); short protein forms S756A, S914A.
Identifiers: ClinVar variation 1494615 (VCV001494615.6), dbSNP rs756517483, ClinGen allele CA4960607.